The following is an entry in ClinVar:

NM_170606.3(KMT2C):c.12870C>G (p.His4290Gln)

Gene: KMT2C (lysine methyltransferase 2C; minus strand). Cytogenetic location: 7q36.1.
Variant type: single nucleotide variant.
Coding change: c.12870C>G on transcript NM_170606.3 (MANE Select); coding-DNA position 12870, C replaced by G.
Protein change: p.His4290Gln; replaces histidine 4290 with glutamine.
Molecular consequence: missense variant.
Genome position (GRCh38, 1-based): chr7:152,149,057, G>C on the plus strand (C>G on the coding strand, the complement: KMT2C is on the minus strand). VCF-style: chr7-152149057-G-C. GRCh37 (hg19) VCF-style: chr7-151846142-G-C.
Other names: short protein forms H4290Q.
Identifiers: ClinVar variation 3897272 (VCV003897272.1).

ClinVar aggregate classification (germline): Uncertain significance (1 of 4 stars; one submission).

Submission:

GeneDx
Classification: Uncertain significance. Last evaluated: 2024-10-31. Review status: criteria provided, single submitter. Criteria: GeneDx Variant Classification Process June 2021. Collection method: clinical testing. Allele origin: germline. Affected: yes.
Comment: Not observed at significant frequency in large population cohorts (gnomAD); In silico analysis supports that this missense variant has a deleterious effect on protein structure/function; Has not been previously published as pathogenic or benign to our knowledge